The following is an entry in ClinVar:

ClinVar aggregate classification (germline): Pathogenic (1 of 4 stars; one submission).

Conditions:
Marfan syndrome (MFS). Also called: FBN1-Related Marfan Syndrome; MARFAN SYNDROME, TYPE I; Marfan syndrome type 1; Marfan's syndrome; Marfan syndrome, classic. Identifiers: Orphanet 284963, Orphanet 558, MedGen C0024796, MONDO:0007947, OMIM 154700.
Familial thoracic aortic aneurysm and aortic dissection (TAAD). Also called: Thoracic aortic aneurysms and dissections. Identifiers: Orphanet 91387, MedGen C4707243, MONDO:0019625.

Submission:

Labcorp Genetics (formerly Invitae), Labcorp
Classification: Pathogenic for Marfan syndrome; Familial thoracic aortic aneurysm and aortic dissection. Last evaluated: 2022-07-06. Review status: criteria provided, single submitter. Criteria: Invitae Variant Classification Sherloc (09022015). Collection method: clinical testing. Allele origin: germline.
Comment: For these reasons, this variant has been classified as Pathogenic. This sequence change replaces isoleucine, which is neutral and non-polar, with asparagine, which is neutral and polar, at codon 1725 of the FBN1 protein (p.Ile1725Asn). This variant is not present in population databases (gnomAD no frequency). This missense change has been observed in individual(s) with clinical features of FBN1-related skeletal dysplasias (Invitae). In at least one individual the variant was observed to be de novo. ClinVar contains an entry for this variant (Variation ID: 1060002). Advanced modeling of protein sequence and biophysical properties (such as structural, functional, and spatial information, amino acid conservation, physicochemical variation, residue mobility, and thermodynamic stability) performed at Invitae indicates that this missense variant is expected to disrupt FBN1 protein function.

NM_000138.5(FBN1):c.5174T>A (p.Ile1725Asn)

Gene: FBN1 (fibrillin 1; minus strand). Cytogenetic location: 15q21.1.
Variant type: single nucleotide variant.
Coding change: c.5174T>A on transcript NM_000138.5 (MANE Select); coding-DNA position 5174, T replaced by A.
Protein change: p.Ile1725Asn; replaces isoleucine 1725 with asparagine.
Molecular consequence: missense variant.
Genome position (GRCh38, 1-based): chr15:48,463,132, A>T on the plus strand (T>A on the coding strand, the complement: FBN1 is on the minus strand). VCF-style: chr15-48463132-A-T. GRCh37 (hg19) VCF-style: chr15-48755329-A-T.
Other names: short protein forms I1725N.
Identifiers: ClinVar variation 1060002 (VCV001060002.7), dbSNP rs2141266590, ClinGen allele CA392349135.